The following is an entry in ClinVar:

ClinVar aggregate classification (germline): Uncertain significance (1 of 4 stars; one submission).

Submission:

Labcorp Genetics (formerly Invitae), Labcorp
Classification: Uncertain significance. Last evaluated: 2022-10-13. Review status: criteria provided, single submitter. Criteria: Invitae Variant Classification Sherloc (09022015). Collection method: clinical testing. Allele origin: germline.
Comment: This variant is not present in population databases (gnomAD no frequency). In summary, the available evidence is currently insufficient to determine the role of this variant in disease. Therefore, it has been classified as a Variant of Uncertain Significance. Algorithms developed to predict the effect of sequence changes on RNA splicing suggest that this variant may create or strengthen a splice site. This variant has not been reported in the literature in individuals affected with MPDZ-related conditions. This sequence change affects codon 1089 of the MPDZ mRNA. It is a 'silent' change, meaning that it does not change the encoded amino acid sequence of the MPDZ protein.

NM_001378778.1(MPDZ):c.3267G>T (p.Val1089=)

Gene: MPDZ (multiple PDZ domain crumbs cell polarity complex component; minus strand). Cytogenetic location: 9p23.
Variant type: single nucleotide variant.
Coding change: c.3267G>T on transcript NM_001378778.1 (MANE Select); coding-DNA position 3267, G replaced by T.
Protein change: p.Val1089=; no amino-acid change (valine 1089 retained).
Molecular consequence: synonymous variant. On other transcripts: intron variant (1).
Genome position (GRCh38, 1-based): chr9:13,162,783, C>A on the plus strand (G>T on the coding strand, the complement: MPDZ is on the minus strand). VCF-style: chr9-13162783-C-A. GRCh37 (hg19) VCF-style: chr9-13162782-C-A.
Other names: c.3267G>T, p.Val1089= (NM_001261406.2, NM_001261407.2, NM_001330637.2 and 13 more transcripts); c.3254+5583G>T (NM_001375427.1).
Identifiers: ClinVar variation 1998715 (VCV001998715.4), dbSNP rs2491760832, ClinGen allele CA463875949.